The following is an entry in ClinVar:

ClinVar aggregate classification (germline): Pathogenic/Likely pathogenic. Review status: criteria provided, multiple submitters, no conflicts (2 of 4 stars). 2 submissions from 2 submitters: Pathogenic (1); Likely pathogenic (1). Last evaluated 2024-06-03.

Conditions:
Hyperlipoproteinemia, type I. Also called: Familial hyperlipo-proteinemia type 1; Hyperlipemia essential familial; HYPERLIPOPROTEINEMIA, TYPE IA; LPL DEFICIENCY; Lipoprotein Lipase Deficiency; Lipase D deficiency. Identifiers: Orphanet 309015, Orphanet 444490, MedGen C0023817, MONDO:0009387, OMIM 238600. Disease mechanism: loss of function.

Submissions (2):

Natera, Inc.
Classification: Pathogenic for Lipoprotein lipase deficiency. Last evaluated: 2024-06-03. Review status: criteria provided, single submitter. Criteria: Natera Variant Classification Schema (03/2026). Collection method: clinical testing. Allele origin: germline.
Comment: The c.89-1G>A variant in LPL is a canonical splice acceptor site variant predicted to affect pre-mRNA splicing, which may result in an abnormal transcript and altered protein product. This variant is expected to result in nonsense mediated decay, truncation, or a dysfunctional protein product. This variant is rare in the general population with a frequency below the threshold expected for the associated phenotype(s). This variant has been observed in one or more individuals affected with the associated recessive disease, as either homozygous or compound heterozygous with a second variant (PMID: 36689289, 28951076). Given the available evidence, this variant is classified as Pathogenic.

Labcorp Genetics (formerly Invitae), Labcorp
Classification: Likely pathogenic. Last evaluated: 2023-03-18. Review status: criteria provided, single submitter. Criteria: Invitae Variant Classification Sherloc (09022015). Collection method: clinical testing. Allele origin: germline.
Comment: This sequence change affects an acceptor splice site in intron 1 of the LPL gene. It is expected to disrupt RNA splicing. Variants that disrupt the donor or acceptor splice site typically lead to a loss of protein function (PMID: 16199547), and loss-of-function variants in LPL are known to be pathogenic (PMID: 11334614). This variant is not present in population databases (gnomAD no frequency). This variant has not been reported in the literature in individuals affected with LPL-related conditions. ClinVar contains an entry for this variant (Variation ID: 1494261). Algorithms developed to predict the effect of sequence changes on RNA splicing suggest that this variant may disrupt the consensus splice site. In summary, the currently available evidence indicates that the variant is pathogenic, but additional data are needed to prove that conclusively. Therefore, this variant has been classified as Likely Pathogenic.

Literature cited by the submitters: PubMed 36689289 (cited by Natera, Inc.); PubMed 28951076 (cited by Natera, Inc.); PubMed 16199547 (cited by Labcorp Genetics (formerly Invitae), Labcorp); PubMed 11334614 (cited by Labcorp Genetics (formerly Invitae), Labcorp).

NM_000237.3(LPL):c.89-1G>A

Gene: LPL (lipoprotein lipase; plus strand). Cytogenetic location: 8p21.3.
Variant type: single nucleotide variant.
Coding change: c.89-1G>A on transcript NM_000237.3 (MANE Select); the canonical splice acceptor site of the intron before coding-DNA position 89, G replaced by A.
Molecular consequence: splice acceptor variant.
Genome position (GRCh38, 1-based): chr8:19,948,179, G>A. VCF-style: chr8-19948179-G-A. GRCh37 (hg19) VCF-style: chr8-19805690-G-A.
Other names: c.89-1G>A (NM_000237.2).
Identifiers: ClinVar variation 1494261 (VCV001494261.9), dbSNP rs2128836980, ClinGen allele CA370466733.